The following is an entry in ClinVar:

NM_000214.3(JAG1):c.2161T>A (p.Tyr721Asn)

Gene: JAG1 (jagged canonical Notch ligand 1; minus strand). Cytogenetic location: 20p12.2.
Variant type: single nucleotide variant.
Coding change: c.2161T>A on transcript NM_000214.3 (MANE Select); coding-DNA position 2161, T replaced by A.
Protein change: p.Tyr721Asn; replaces tyrosine 721 with asparagine.
Molecular consequence: missense variant.
Genome position (GRCh38, 1-based): chr20:10,645,209, A>T on the plus strand (T>A on the coding strand, the complement: JAG1 is on the minus strand). VCF-style: chr20-10645209-A-T. GRCh37 (hg19) VCF-style: chr20-10625857-A-T.
Other names: short protein forms Y721N.
Identifiers: ClinVar variation 2189785 (VCV002189785.4), dbSNP rs2514513332, ClinGen allele CA408235255.

ClinVar aggregate classification (germline): Uncertain significance (1 of 4 stars; one submission).

Conditions:
Alagille syndrome due to a JAG1 point mutation. Also called: Alagille Syndrome 1; JAG1-Related Alagille Syndrome; HEPATIC DUCTULAR HYPOPLASIA, SYNDROMATIC. Identifiers: Orphanet 261619, Orphanet 52, MedGen C1956125, MONDO:0016862, OMIM 118450.

Allele frequency attached by ClinVar (database versions not stated): gnomAD exomes below 0.00001.
gnomAD v4.1: 3 of 1,614,092 alleles (0.00019%); highest among the groups gnomAD compares: African/African-American, 0.0027%; no homozygotes.

Submission:

Labcorp Genetics (formerly Invitae), Labcorp
Classification: Uncertain significance for Alagille syndrome due to a JAG1 point mutation. Last evaluated: 2021-12-15. Review status: criteria provided, single submitter. Criteria: Invitae Variant Classification Sherloc (09022015). Collection method: clinical testing. Allele origin: germline.
Comment: In summary, the available evidence is currently insufficient to determine the role of this variant in disease. Therefore, it has been classified as a Variant of Uncertain Significance. Advanced modeling of protein sequence and biophysical properties (such as structural, functional, and spatial information, amino acid conservation, physicochemical variation, residue mobility, and thermodynamic stability) performed at Invitae indicates that this missense variant is not expected to disrupt JAG1 protein function. This variant has not been reported in the literature in individuals affected with JAG1-related conditions. This variant is not present in population databases (gnomAD no frequency). This sequence change replaces tyrosine, which is neutral and polar, with asparagine, which is neutral and polar, at codon 721 of the JAG1 protein (p.Tyr721Asn).